The following is an entry in ClinVar:

NM_003803.4(MYOM1):c.1685C>T (p.Thr562Ile)

Gene: MYOM1 (myomesin 1; minus strand). Cytogenetic location: 18p11.31.
Variant type: single nucleotide variant.
Coding change: c.1685C>T on transcript NM_003803.4 (MANE Select); coding-DNA position 1685, C replaced by T.
Protein change: p.Thr562Ile; replaces threonine 562 with isoleucine.
Molecular consequence: missense variant.
Genome position (GRCh38, 1-based): chr18:3,151,852, G>A on the plus strand (C>T on the coding strand, the complement: MYOM1 is on the minus strand). VCF-style: chr18-3151852-G-A. GRCh37 (hg19) VCF-style: chr18-3151850-G-A.
Other names: c.1685C>T, p.Thr562Ile (NM_019856.2); short protein forms T562I.
Identifiers: ClinVar variation 4741068 (VCV004741068.1).

ClinVar aggregate classification (germline): Uncertain significance (1 of 4 stars; one submission).

Conditions:
Hypertrophic cardiomyopathy. Also called: HYPERTROPHIC MYOCARDIOPATHY. Identifiers: Orphanet 217569, MedGen C0007194, MeSH D002312, MONDO:0005045, HP:0001639.

Submission:

Labcorp Genetics (formerly Invitae), Labcorp
Classification: Uncertain significance for Hypertrophic cardiomyopathy. Last evaluated: 2025-03-12. Review status: criteria provided, single submitter. Criteria: Invitae Variant Classification Sherloc (09022015). Collection method: clinical testing. Allele origin: germline.
Comment: This sequence change replaces threonine, which is neutral and polar, with isoleucine, which is neutral and non-polar, at codon 562 of the MYOM1 protein (p.Thr562Ile). This variant is not present in population databases (gnomAD no frequency). This variant has not been reported in the literature in individuals affected with MYOM1-related conditions. An algorithm developed to predict the effect of missense changes on protein structure and function outputs the following: PolyPhen-2: "Benign". The isoleucine amino acid residue is found in multiple mammalian species, which suggests that this missense change does not adversely affect protein function. In summary, the available evidence is currently insufficient to determine the role of this variant in disease. Therefore, it has been classified as a Variant of Uncertain Significance.